The following is an entry in ClinVar:

ClinVar aggregate classification (germline): Pathogenic (1 of 4 stars; one submission).

Submission:

ISCA Site 6
Classification: Pathogenic. Last evaluated: 2018-02-05. Review status: criteria provided, single submitter. Criteria: Kaminsky et al. (Genet Med. 2011). Collection method: clinical testing. Allele origin: unknown. Affected: yes. Observed: 1 variant allele.
Comment: 1). interstitial dup involving 33 RefSeq genes, largely overlapping with ClinGen 8p23.1 micro dup region ( hg19 chr8: 8,119,295-11,765,719), ClinGen triplosensitivity score = 3. 2). Barber: based on 12 postnatal and 5 prenatal probands concluded that the core duplication of 3.68Mb contains 31 genes, of which only GATA4, TNKS, SOX7, and XKR6 are likely to be dosage sensitive genes and a combination of the duplication of GATA4, SOX7, and related genes may account for the variable penetrance of CHD. All these 4 genes are involved in current duplication (PMID:21933911). Common clinical features include developmental delay, dysmorphic features, neurodevelopmental problems, with or without cardiac abnormalities and various isolated findings (PMID:21933911 & 23345203). Also see Weber A et al which based on 1 pt attempts to narrow critical region further to include SOX7, XKR6 and TNKS1 but not GATA4.

Copy number variation identified through the course of routine clinical cytogenomic testing in postnatal populations. Clinical assertions have been curated as described in Kaminsky et al. 2011.

GRCh38/hg38 8p23.1(chr8:9970431-11984392)x3

Genes: BLK (BLK proto-oncogene, Src family tyrosine kinase), BLK-AS1 (BLK antisense RNA 1), C8orf74 (chromosome 8 open reading frame 74), CRE3 (CRE3 CAGE-defined tissue-specific enhancer), CTSB (cathepsin B) and 120 more. Cytogenetic location: 8p23.1.
Variant type: copy number gain.
Change: copy number 3 (three copies instead of two) of chr8:9,970,431-11,984,392 (2.01 Mb, GRCh38 coordinates, 1-based), cytogenetic band 8p23.1.
Identifiers: ClinVar variation 58400 (VCV000058400.4).